The following is an entry in ClinVar:

NM_003126.4(SPTA1):c.5377C>T (p.Arg1793Trp)

Gene: SPTA1 (spectrin alpha, erythrocytic 1; minus strand). Cytogenetic location: 1q23.1.
Variant type: single nucleotide variant.
Coding change: c.5377C>T on transcript NM_003126.4 (MANE Select); coding-DNA position 5377, C replaced by T.
Protein change: p.Arg1793Trp; replaces arginine 1793 with tryptophan.
Molecular consequence: missense variant.
Genome position (GRCh38, 1-based): chr1:158,635,968, G>A on the plus strand (C>T on the coding strand, the complement: SPTA1 is on the minus strand). VCF-style: chr1-158635968-G-A. GRCh37 (hg19) VCF-style: chr1-158605758-G-A.
Other names: p.Arg1793Trp; c.5377C>T (NM_003126.2); short protein forms R1793W.
Identifiers: ClinVar variation 3380001 (VCV003380001.2).

ClinVar aggregate classification (germline): Uncertain significance. Review status: criteria provided, multiple submitters, no conflicts (2 of 4 stars). 2 submissions from 2 submitters: Uncertain significance (2). Last evaluated 2025-04-21.

gnomAD v4.1: 90 of 1,613,958 alleles (0.0056%); highest among the groups gnomAD compares: East Asian, 0.0089%; no homozygotes.

Submissions (2):

Ambry Genetics
Classification: Uncertain significance. Last evaluated: 2025-04-21. Review status: criteria provided, single submitter. Criteria: Ambry Variant Classification Scheme 2023. Collection method: clinical testing. Allele origin: germline.

Mayo Clinic Laboratories, Mayo Clinic
Classification: Uncertain significance. Last evaluated: 2024-07-11. Review status: criteria provided, single submitter. Criteria: ACMG Guidelines, 2015. Collection method: clinical testing. Allele origin: germline. Observed: 1 variant allele.
Comment: PM2_moderate